The following is an entry in ClinVar:

ClinVar aggregate classification (germline): Benign (1 of 4 stars; one submission).

Conditions:
Familial adenomatous polyposis 1 (FAP1). Also called: FAMILIAL ADENOMATOUS POLYPOSIS 1, ATTENUATED; POLYPOSIS, ADENOMATOUS INTESTINAL. Identifiers: MedGen C2713442, MONDO:0021056, OMIM 175100. Disease mechanism: loss of function.

Submission:

Myriad Genetics, Inc.
Classification: Benign for Familial adenomatous polyposis 1. Last evaluated: 2024-04-09. Review status: criteria provided, single submitter. Criteria: Myriad Autosomal Dominant, Autosomal Recessive and X-Linked Classification Criteria (2023). Collection method: clinical testing. Allele origin: unknown.
Comment: This variant is considered benign. This variant is a silent/synonymous amino acid change and it is not expected to impact splicing.

NM_000038.6(APC):c.7360A>C (p.Arg2454=)

Gene: APC (APC regulator of Wnt signaling pathway; plus strand). Cytogenetic location: 5q22.2.
Variant type: single nucleotide variant.
Coding change: c.7360A>C on transcript NM_000038.6 (MANE Select); coding-DNA position 7360, A replaced by C.
Protein change: p.Arg2454=; no amino-acid change (arginine 2454 retained).
Molecular consequence: synonymous variant. On other transcripts: non-coding transcript variant (2).
Genome position (GRCh38, 1-based): chr5:112,842,954, A>C. VCF-style: chr5-112842954-A-C. GRCh37 (hg19) VCF-style: chr5-112178651-A-C.
Other names: c.7360A>C, p.Arg2454= (NM_001127510.3, NM_001354895.2, NM_001407450.1); c.7306A>C, p.Arg2436= (NM_001127511.3); c.7414A>C, p.Arg2472= (NM_001354896.2, NM_001407447.1, NM_001407448.1 and 1 more transcripts); c.7390A>C, p.Arg2464= (NM_001354897.2); c.7285A>C, p.Arg2429= (NM_001354898.2); c.7276A>C, p.Arg2426= (NM_001354899.2); c.7237A>C, p.Arg2413= (NM_001354900.2); c.7183A>C, p.Arg2395= (NM_001354901.2, NM_001407453.1); and 11 more.
Identifiers: ClinVar variation 3254061 (VCV003254061.1), dbSNP rs2149985312.
Genomic context (GRCh38, chr5:112,842,954, plus strand): 5'-AGACCTGTATTAGTACGCCAGTCAACTTTCATCAAAGAAGCTCCAAGCCCAACCTTAAGA[A>C]GAAAATTGGAGGAATCTGCTTCATTTGAATCTCTTTCTCCATCATCTAGACCAGCTTCTC-3'
Protein context (NP_000029.2, residues 2444-2464): IKEAPSPTLR[Arg2454=]KLEESASFES